The following is an entry in ClinVar:

ClinVar aggregate classification (germline): Pathogenic (1 of 4 stars; one submission).

Conditions:
Aortic aneurysm, familial thoracic 7 (AAT7). Also called: AORTIC DISSECTION, FAMILIAL, WITH OR WITHOUT AORTIC ANEURYSM. Identifiers: MedGen C3151077, MONDO:0013418, OMIM 613780.

Submission:

Labcorp Genetics (formerly Invitae), Labcorp
Classification: Pathogenic for Aortic aneurysm, familial thoracic 7. Last evaluated: 2021-08-27. Review status: criteria provided, single submitter. Criteria: Invitae Variant Classification Sherloc (09022015). Collection method: clinical testing. Allele origin: germline.
Comment: For these reasons, this variant has been classified as Pathogenic. This variant disrupts a region of the MYLK protein in which other variant(s) (p.Val1522Ala) have been determined to be pathogenic (PMID: 29907982; Invitae). This suggests that this is a clinically significant region of the protein, and that variants that disrupt it are likely to be disease-causing. This variant has not been reported in the literature in individuals affected with MYLK-related conditions. This variant is a gross deletion of the genomic region encompassing exon(s) 21-34 of the MYLK gene, which includes the termination codon. This deletion extends beyond the assayed region for this gene and therefore may encompass additional genes. While this deletion is not anticipated to lead to nonsense mediated decay, it is expected to alter mRNA translation or result in a truncated protein product.

Literature cited by the submitters: PubMed 29907982.

NC_000003.11:g.(?_123332952)_(123386054_?)del

Gene: MYLK (myosin light chain kinase; minus strand). Cytogenetic location: 3q21.1.
Variant type: Deletion.
Identifiers: ClinVar variation 1457767 (VCV001457767.4).